The following is an entry in ClinVar:

NM_002180.3(IGHMBP2):c.1843C>T (p.Arg615Cys)

Gene: IGHMBP2 (immunoglobulin mu DNA binding protein 2; plus strand). Cytogenetic location: 11q13.3.
Variant type: single nucleotide variant.
Coding change: c.1843C>T on transcript NM_002180.3 (MANE Select); coding-DNA position 1843, C replaced by T.
Protein change: p.Arg615Cys; replaces arginine 615 with cysteine.
Molecular consequence: missense variant.
Genome position (GRCh38, 1-based): chr11:68,936,323, C>T. VCF-style: chr11-68936323-C-T. GRCh37 (hg19) VCF-style: chr11-68703791-C-T.
Other names: short protein forms R615C.
Identifiers: ClinVar variation 466586 (VCV000466586.8), dbSNP rs1448152495, ClinGen allele CA381651686.

ClinVar aggregate classification (germline): Uncertain significance. Review status: criteria provided, multiple submitters, no conflicts (2 of 4 stars). 2 submissions from 2 submitters: Uncertain significance (2). Last evaluated 2022-07-19.

Conditions:
Charcot-Marie-Tooth disease axonal type 2S. Also called: CHARCOT-MARIE-TOOTH NEUROPATHY, TYPE 2S; CHARCOT-MARIE-TOOTH DISEASE, AXONAL, AUTOSOMAL RECESSIVE, TYPE 2S. Identifiers: Orphanet 443073, MedGen C4015349, MONDO:0014511, OMIM 616155.
Autosomal recessive distal spinal muscular atrophy 1. Also called: NEURONOPATHY, DISTAL HEREDITARY MOTOR, HARDING TYPE VI; NEUROPATHY, DISTAL HEREDITARY MOTOR, AUTOSOMAL RECESSIVE 1; HMN VI; NEURONOPATHY, SEVERE INFANTILE AXONAL, WITH RESPIRATORY FAILURE; SEVERE INFANTILE AXONAL NEUROPATHY WITH RESPIRATORY FAILURE; SPINAL MUSCULAR ATROPHY, DIAPHRAGMATIC. Identifiers: Orphanet 98920, MedGen C1858517, MONDO:0011436, OMIM 604320.

Allele frequency attached by ClinVar (database versions not stated): gnomAD exomes 0.00001; gnomAD 0.00002; TOPMed 0.00002.
gnomAD v4.1: 23 of 1,614,098 alleles (0.0014%); highest among the groups gnomAD compares: Admixed American, 0.012%; no homozygotes.

Submissions (2):

Labcorp Genetics (formerly Invitae), Labcorp
Classification: Uncertain significance for Autosomal recessive distal spinal muscular atrophy 1; Charcot-Marie-Tooth disease axonal type 2S. Last evaluated: 2022-07-19. Review status: criteria provided, single submitter. Criteria: Invitae Variant Classification Sherloc (09022015). Collection method: clinical testing. Allele origin: germline.
Comment: This sequence change replaces arginine, which is basic and polar, with cysteine, which is neutral and slightly polar, at codon 615 of the IGHMBP2 protein (p.Arg615Cys). This variant is present in population databases (no rsID available, gnomAD 0.007%). This variant has not been reported in the literature in individuals affected with IGHMBP2-related conditions. ClinVar contains an entry for this variant (Variation ID: 466586). Advanced modeling of protein sequence and biophysical properties (such as structural, functional, and spatial information, amino acid conservation, physicochemical variation, residue mobility, and thermodynamic stability) performed at Invitae indicates that this missense variant is not expected to disrupt IGHMBP2 protein function. In summary, the available evidence is currently insufficient to determine the role of this variant in disease. Therefore, it has been classified as a Variant of Uncertain Significance.

Mayo Clinic Laboratories, Mayo Clinic
Classification: Uncertain significance. Last evaluated: 2020-02-18. Review status: criteria provided, single submitter. Criteria: ACMG Guidelines, 2015. Collection method: clinical testing. Allele origin: germline. Observed: 1 variant allele.